The following is an entry in ClinVar:

NM_006231.4(POLE):c.1401C>T (p.Tyr467=)

Gene: POLE (DNA polymerase epsilon, catalytic subunit; minus strand). Cytogenetic location: 12q24.33.
Variant type: single nucleotide variant.
Coding change: c.1401C>T on transcript NM_006231.4 (MANE Select); coding-DNA position 1401, C replaced by T.
Protein change: p.Tyr467=; no amino-acid change (tyrosine 467 retained).
Molecular consequence: synonymous variant.
Genome position (GRCh38, 1-based): chr12:132,673,236, G>A on the plus strand (C>T on the coding strand, the complement: POLE is on the minus strand). VCF-style: chr12-132673236-G-A. GRCh37 (hg19) VCF-style: chr12-133249822-G-A.
Other names: c.1401C>T (NM_006231.2).
Identifiers: ClinVar variation 3709987 (VCV003709987.4).

ClinVar aggregate classification (germline): Benign/Likely benign. Review status: criteria provided, multiple submitters, no conflicts (2 of 4 stars). 3 submissions from 3 submitters: Benign (1); Likely benign (2). Last evaluated 2026-03-12.

Conditions:
Hereditary cancer-predisposing syndrome. Also called: Hereditary Cancer Syndrome; Neoplastic Syndromes, Hereditary; Tumor predisposition; Hereditary neoplastic syndrome. Identifiers: Orphanet 140162, MedGen C0027672, MeSH D009386, MONDO:0015356.
Colorectal cancer, susceptibility to, 12 (CRCS12). Also called: COLORECTAL CANCER, SUSCEPTIBILITY TO, ON CHROMOSOME 12q24. Identifiers: Orphanet 220460, MedGen C3554460, MONDO:0014038, OMIM 615083.

gnomAD v4.1: 1 of 1,613,670 alleles (0.000062%); highest among the groups gnomAD compares: Non-Finnish European, 0.000085%; no homozygotes.

Submissions (3):

Ambry Genetics
Classification: Likely benign for Hereditary cancer-predisposing syndrome. Last evaluated: 2026-03-12. Review status: criteria provided, single submitter. Criteria: Ambry Variant Classification Scheme 2023. Collection method: clinical testing. Allele origin: germline.

Myriad Genetics, Inc.
Classification: Benign for Colorectal cancer, susceptibility to, 12. Last evaluated: 2025-02-11. Review status: criteria provided, single submitter. Criteria: Myriad Autosomal Dominant, Autosomal Recessive and X-Linked Classification Criteria (2023). Collection method: clinical testing. Allele origin: unknown.
Comment: This variant is considered benign. This variant is a silent/synonymous amino acid change and it is not expected to impact splicing.

Labcorp Genetics (formerly Invitae), Labcorp
Classification: Likely benign. Last evaluated: 2024-09-29. Review status: criteria provided, single submitter. Criteria: Invitae Variant Classification Sherloc (09022015). Collection method: clinical testing. Allele origin: germline.